The following is an entry in ClinVar:

ClinVar aggregate classification (germline): Pathogenic. Review status: criteria provided, multiple submitters, no conflicts (2 of 4 stars). 5 submissions from 5 submitters: Pathogenic (3). 2 of the submissions do not count toward it. Last evaluated 2024-02-14.

Conditions:
Autosomal recessive Alport syndrome (ATS2). Also called: ALPORT SYNDROME 2, AUTOSOMAL RECESSIVE; Alport syndrome type 2; COL4A3-Related Nephropathy; COL4A4 Alport Syndrome and Thin Basement Membrane Nephropathy. Identifiers: Orphanet 63, Orphanet 88919, MedGen C4746745, MONDO:0008762, OMIM 203780.
Hematuria, benign familial, 1 (BFH1). Also called: THIN MEMBRANE NEPHROPATHY. Identifiers: MedGen CN376803, MONDO:0007709, OMIM 141200.
Autosomal dominant Alport syndrome (ATS3A). Also called: ALPORT SYNDROME 3A, AUTOSOMAL DOMINANT; Alport syndrome dominant type; Renal failure and sensorineural hearing loss. Identifiers: Orphanet 63, Orphanet 88918, MedGen C5882663, MONDO:0007086, OMIM 104200.

Submissions (5):

Fulgent Genetics
Classification: Pathogenic for Hematuria, benign familial, 1; Autosomal recessive Alport syndrome. Last evaluated: 2024-02-14. Review status: criteria provided, single submitter. Criteria: ACMG Guidelines, 2015. Collection method: clinical testing. Allele origin: germline.

Labcorp Genetics (formerly Invitae), Labcorp
Classification: Pathogenic. Last evaluated: 2022-12-29. Review status: criteria provided, single submitter. Criteria: Invitae Variant Classification Sherloc (09022015). Collection method: clinical testing. Allele origin: germline.
Comment: This sequence change creates a premature translational stop signal (p.Tyr1533*) in the COL4A4 gene. It is expected to result in an absent or disrupted protein product. Loss-of-function variants in COL4A4 are known to be pathogenic (PMID: 21196518, 24854265, 25307543). This variant is not present in population databases (gnomAD no frequency). This premature translational stop signal has been observed in individual(s) with clinical features of Alport syndrome (PMID: 25596306, 31312213). ClinVar contains an entry for this variant (Variation ID: 557279). For these reasons, this variant has been classified as Pathogenic.

Juno Genomics, Hangzhou Juno Genomics, Inc
Classification: Pathogenic for Autosomal recessive Alport syndrome; Hematuria, benign familial, 1. Review status: criteria provided, single submitter. Criteria: ACMG Guidelines, 2015. Collection method: clinical testing. Allele origin: germline.
Comment: Absent from controls (or at extremely low frequency if recessive) in Genome Aggregation Database.;Null variant in a gene where loss of function (LOF) is a known mechanism of disease.;For recessive disorders, detected in trans with a pathogenic variant.;The prevalence of the variant in affected individuals is significantly increased compared to the prevalence in controls.;Patient's phenotype or family history is highly specific for a disease with a single genetic etiology.

Renal Department, Renmin Hospital of Wuhan University
Classification: Pathogenic for Alport syndrome autosomal dominant. Last evaluated: 2018-12-01. Review status: no assertion criteria provided. Collection method: research. Allele origin: germline. Affected: yes. Observed: 3 variant alleles. Not counted in ClinVar's aggregate classification.

Counsyl
Classification: Likely pathogenic for Autosomal recessive Alport syndrome. Last evaluated: 2018-03-15. Review status: no assertion criteria provided. Collection method: clinical testing. Allele origin: unknown. Not counted in ClinVar's aggregate classification.

Literature cited by the submitters: PubMed 21196518 (cited by Labcorp Genetics (formerly Invitae), Labcorp); PubMed 24854265 (cited by Labcorp Genetics (formerly Invitae), Labcorp); PubMed 25307543 (cited by Labcorp Genetics (formerly Invitae), Labcorp); PubMed 25596306 (cited by Labcorp Genetics (formerly Invitae), Labcorp and Counsyl); PubMed 31312213 (cited by Labcorp Genetics (formerly Invitae), Labcorp).

NM_000092.5(COL4A4):c.4599T>G (p.Tyr1533Ter)

Gene: COL4A4 (collagen type IV alpha 4 chain; minus strand). Cytogenetic location: 2q36.3.
Variant type: single nucleotide variant.
Coding change: c.4599T>G on transcript NM_000092.5 (MANE Select); coding-DNA position 4599, T replaced by G.
Protein change: p.Tyr1533Ter; replaces tyrosine 1533 with a stop codon.
Molecular consequence: nonsense.
Genome position (GRCh38, 1-based): chr2:227,008,228, A>C on the plus strand (T>G on the coding strand, the complement: COL4A4 is on the minus strand). VCF-style: chr2-227008228-A-C. GRCh37 (hg19) VCF-style: chr2-227872944-A-C.
Other names: short protein forms Y1533*.
Identifiers: ClinVar variation 557279 (VCV000557279.13), dbSNP rs369922627, ClinGen allele CA351140877.
Genomic context (GRCh38, chr2:227,008,228, plus strand): 5'-TGGCATCATGGGGAGGGGCGCAGCGCTGGCCAGCCAGTAGGATCTGTCGTTTCTCTGGGC[A>C]TAGTGGCACACCTGGTGGATGTTGCAGTAGGCAAAGGGCAGCGTGCTAAATACGGGAAGG-3'